The following is an entry in ClinVar:

NM_024854.5(PYROXD1):c.1075A>G (p.Ile359Val)

Gene: PYROXD1 (pyridine nucleotide-disulphide oxidoreductase domain 1; plus strand). Cytogenetic location: 12p12.1.
Variant type: single nucleotide variant.
Coding change: c.1075A>G on transcript NM_024854.5 (MANE Select); coding-DNA position 1075, A replaced by G.
Protein change: p.Ile359Val; replaces isoleucine 359 with valine.
Molecular consequence: missense variant.
Genome position (GRCh38, 1-based): chr12:21,462,821, A>G. VCF-style: chr12-21462821-A-G. GRCh37 (hg19) VCF-style: chr12-21615755-A-G.
Other names: c.862A>G, p.Ile288Val (NM_001350912.2); c.298A>G, p.Ile100Val (NM_001350913.2); short protein forms I100V, I288V, I359V.
Identifiers: ClinVar variation 1360878 (VCV001360878.7), dbSNP rs778405939, ClinGen allele CA6478453.

ClinVar aggregate classification (germline): Uncertain significance (1 of 4 stars; one submission).

Allele frequency attached by ClinVar (database versions not stated): gnomAD exomes below 0.00001; TOPMed below 0.00001; ExAC 0.00001.

Submission:

Labcorp Genetics (formerly Invitae), Labcorp
Classification: Uncertain significance. Last evaluated: 2023-12-07. Review status: criteria provided, single submitter. Criteria: Invitae Variant Classification Sherloc (09022015). Collection method: clinical testing. Allele origin: germline.
Comment: This sequence change replaces isoleucine, which is neutral and non-polar, with valine, which is neutral and non-polar, at codon 359 of the PYROXD1 protein (p.Ile359Val). This variant is present in population databases (rs778405939, gnomAD 0.0009%). This variant has not been reported in the literature in individuals affected with PYROXD1-related conditions. ClinVar contains an entry for this variant (Variation ID: 1360878). Advanced modeling of protein sequence and biophysical properties (such as structural, functional, and spatial information, amino acid conservation, physicochemical variation, residue mobility, and thermodynamic stability) performed at Invitae indicates that this missense variant is not expected to disrupt PYROXD1 protein function with a negative predictive value of 80%. In summary, the available evidence is currently insufficient to determine the role of this variant in disease. Therefore, it has been classified as a Variant of Uncertain Significance.